The following is an entry in ClinVar:

NM_182641.4(BPTF):c.8165A>T (p.Lys2722Met)

Gene: BPTF (bromodomain PHD finger transcription factor; plus strand). Cytogenetic location: 17q24.2.
Variant type: single nucleotide variant.
Coding change: c.8165A>T on transcript NM_182641.4 (MANE Select); coding-DNA position 8165, A replaced by T.
Protein change: p.Lys2722Met; replaces lysine 2722 with methionine.
Molecular consequence: missense variant.
Genome position (GRCh38, 1-based): chr17:67,959,779, A>T. VCF-style: chr17-67959779-A-T. GRCh37 (hg19) VCF-style: chr17-65955895-A-T.
Other names: c.8114A>T, p.Lys2705Met (NM_004459.7); short protein forms K2705M, K2722M.
Identifiers: ClinVar variation 3371233 (VCV003371233.1).

ClinVar aggregate classification (germline): Uncertain significance (1 of 4 stars; one submission).

Submission:

GeneDx
Classification: Uncertain significance. Last evaluated: 2024-03-22. Review status: criteria provided, single submitter. Criteria: GeneDx Variant Classification Process June 2021. Collection method: clinical testing. Allele origin: germline. Affected: yes.
Comment: Not observed at significant frequency in large population cohorts (gnomAD); In silico analysis supports that this missense variant has a deleterious effect on protein structure/function; Has not been previously published as pathogenic or benign to our knowledge